The following is an entry in ClinVar:

NM_000540.3(RYR1):c.161C>A (p.Ala54Glu)

Gene: RYR1 (ryanodine receptor 1; plus strand). Cytogenetic location: 19q13.2.
Variant type: single nucleotide variant.
Coding change: c.161C>A on transcript NM_000540.3 (MANE Select); coding-DNA position 161, C replaced by A.
Protein change: p.Ala54Glu; replaces alanine 54 with glutamic acid.
Molecular consequence: missense variant.
Genome position (GRCh38, 1-based): chr19:38,440,860, C>A. VCF-style: chr19-38440860-C-A. GRCh37 (hg19) VCF-style: chr19-38931500-C-A.
Other names: c.161C>A (NM_000540.2); c.161C>A, p.Ala54Glu (NM_001042723.2); short protein forms A54E.
Identifiers: ClinVar variation 1051998 (VCV001051998.14), dbSNP rs1032364286, ClinGen allele CA405672261.

ClinVar aggregate classification (germline): Uncertain significance. Review status: criteria provided, multiple submitters, no conflicts (2 of 4 stars). 3 submissions from 3 submitters: Uncertain significance (3). Last evaluated 2025-06-24.

Conditions:
RYR1-related disorder. Also called: RYR1-related disorders; RYR1-related condition. Identifiers: MedGen CN239331.
Inborn genetic diseases. Identifiers: MedGen C0950123, MeSH D030342.
Malignant hyperthermia, susceptibility to, 1 (MHS1). Also called: Anesthesia related hyperthermia; Malignant hyperpyrexia; Fulminating hyperpyrexia; Pharmacogenic myopathy; RYR1-Related Malignant Hyperthermia Susceptibility; Malignant hyperthermia suceptibility 1. Identifiers: Orphanet 423, MedGen C2930980, MONDO:0007783, OMIM 145600.
Central core myopathy (CMYO1A). Also called: CONGENITAL MYOPATHY 1A, AUTOSOMAL DOMINANT, WITH SUSCEPTIBILITY TO MALIGNANT HYPERTHERMIA; Central core disease; Myopathy, central fibrillar. Identifiers: Orphanet 597, MedGen C5830701, MONDO:0007294, OMIM 117000.
Congenital myopathy with fiber type disproportion. Also called: Congenital fiber-type disproportion; Congenital fiber-type disproportion myopathy. Identifiers: Orphanet 2020, MedGen C0546264, MONDO:0009711. Inheritance: all.
Congenital multicore myopathy with external ophthalmoplegia (CMYO1B). Also called: MULTICORE MYOPATHY; Congenital myopathy 1B, autosomal recessive; Minicore myopathy; MULTIMINICORE DISEASE WITH EXTERNAL OPHTHALMOPLEGIA; Minicore myopathy with external ophthalmoplegia. Identifiers: Orphanet 598, Orphanet 98905, MedGen C1850674, MONDO:0009712, OMIM 255320, HP:0003789.
King Denborough syndrome (KDS). Identifiers: MedGen C1840365, MONDO:0020485, OMIM 619542.

gnomAD v4.1: 16 of 1,611,950 alleles (0.00099%); highest among the groups gnomAD compares: Admixed American, 0.0017%; no homozygotes.

Submissions (3):

Ambry Genetics
Classification: Uncertain significance for Inborn genetic diseases. Last evaluated: 2025-06-24. Review status: criteria provided, single submitter. Criteria: Ambry Variant Classification Scheme 2023. Collection method: clinical testing. Allele origin: germline.

Labcorp Genetics (formerly Invitae), Labcorp
Classification: Uncertain significance for RYR1-related disorder. Last evaluated: 2025-04-01. Review status: criteria provided, single submitter. Criteria: Invitae Variant Classification Sherloc (09022015). Collection method: clinical testing. Allele origin: germline.
Comment: This sequence change replaces alanine, which is neutral and non-polar, with glutamic acid, which is acidic and polar, at codon 54 of the RYR1 protein (p.Ala54Glu). This variant is present in population databases (no rsID available, gnomAD 0.003%). This variant has not been reported in the literature in individuals affected with RYR1-related conditions. ClinVar contains an entry for this variant (Variation ID: 1051998). Invitae Evidence Modeling of protein sequence and biophysical properties (such as structural, functional, and spatial information, amino acid conservation, physicochemical variation, residue mobility, and thermodynamic stability) indicates that this missense variant is expected to disrupt RYR1 protein function with a positive predictive value of 95%. In summary, the available evidence is currently insufficient to determine the role of this variant in disease. Therefore, it has been classified as a Variant of Uncertain Significance.

Fulgent Genetics
Classification: Uncertain significance for Central core myopathy; Malignant hyperthermia, susceptibility to, 1; Congenital myopathy 4A, autosomal dominant; Congenital multicore myopathy with external ophthalmoplegia; King Denborough syndrome. Last evaluated: 2021-08-03. Review status: criteria provided, single submitter. Criteria: ACMG Guidelines, 2015. Collection method: clinical testing. Allele origin: unknown.